The following is an entry in ClinVar:

ClinVar aggregate classification (germline): Uncertain significance. Review status: criteria provided, multiple submitters, no conflicts (2 of 4 stars). 2 submissions from 2 submitters: Uncertain significance (2). Last evaluated 2025-09-07.

Conditions:
Inborn genetic diseases. Identifiers: MedGen C0950123, MeSH D030342.

gnomAD v4.1: 14 of 1,614,216 alleles (0.00087%); highest among the groups gnomAD compares: Non-Finnish European, 0.0011%; no homozygotes.

Submissions (2):

Labcorp Genetics (formerly Invitae), Labcorp
Classification: Uncertain significance. Last evaluated: 2025-09-07. Review status: criteria provided, single submitter. Criteria: Invitae Variant Classification Sherloc (09022015). Collection method: clinical testing. Allele origin: germline.
Comment: This sequence change replaces glutamic acid, which is acidic and polar, with aspartic acid, which is acidic and polar, at codon 636 of the DUOX2 protein (p.Glu636Asp). This variant is not present in population databases (gnomAD no frequency). This variant has not been reported in the literature in individuals affected with DUOX2-related conditions. Invitae Evidence Modeling of protein sequence and biophysical properties (such as structural, functional, and spatial information, amino acid conservation, physicochemical variation, residue mobility, and thermodynamic stability) indicates that this missense variant is not expected to disrupt DUOX2 protein function with a negative predictive value of 80%. In summary, the available evidence is currently insufficient to determine the role of this variant in disease. Therefore, it has been classified as a Variant of Uncertain Significance.

Ambry Genetics
Classification: Uncertain significance for Inborn genetic diseases. Last evaluated: 2025-08-25. Review status: criteria provided, single submitter. Criteria: Ambry Variant Classification Scheme 2023. Collection method: clinical testing. Allele origin: germline.

NM_001363711.2(DUOX2):c.1908G>C (p.Glu636Asp)

Gene: DUOX2 (dual oxidase 2; minus strand). Cytogenetic location: 15q21.1.
Variant type: single nucleotide variant.
Coding change: c.1908G>C on transcript NM_001363711.2 (MANE Select); coding-DNA position 1908, G replaced by C.
Protein change: p.Glu636Asp; replaces glutamic acid 636 with aspartic acid.
Molecular consequence: missense variant.
Genome position (GRCh38, 1-based): chr15:45,106,565, C>G on the plus strand (G>C on the coding strand, the complement: DUOX2 is on the minus strand). VCF-style: chr15-45106565-C-G. GRCh37 (hg19) VCF-style: chr15-45398763-C-G.
Other names: c.1908G>C, p.Glu636Asp (NM_014080.5); short protein forms E636D.
Identifiers: ClinVar variation 4245366 (VCV004245366.2).
Genomic context (GRCh38, chr15:45,106,565, plus strand): 5'-TCCTCTGCCCAGCCCCTGCTCACCTGGCACTCCATCTTTGGCTGCTTCCTTCTTCACGCT[C>G]TCTTTGAGTTTCTTTTGTAGCTTCTTGTGTTCTCGGCCCCGGAAATAGGCCACCACTCCA-3'
Protein context (NP_001350640.1, residues 626-646): EHKKLQKKLK[Glu636Asp]SVKKEAAKDG